The following is an entry in ClinVar:

ClinVar aggregate classification (germline): Pathogenic (1 of 4 stars; one submission).

Conditions:
Developmental and epileptic encephalopathy, 25 (DEE25). Also called: Epileptic encephalopathy, early infantile, 25; Developmental and epileptic encephalopathy 25, with amelogenesis imperfecta; Epileptic encephalopathy, early infantile, 25, with amelogenesis imperfecta. Identifiers: Orphanet 442835, MedGen C4014621, MONDO:0014392, OMIM 615905.

Allele frequency attached by ClinVar (database versions not stated): gnomAD exomes below 0.00001; ExAC 0.00001.

Submission:

Labcorp Genetics (formerly Invitae), Labcorp
Classification: Pathogenic for Developmental and epileptic encephalopathy, 25. Last evaluated: 2021-02-15. Review status: criteria provided, single submitter. Criteria: Invitae Variant Classification Sherloc (09022015). Collection method: clinical testing. Allele origin: germline.
Comment: For these reasons, this variant has been classified as Pathogenic. This variant has not been reported in the literature in individuals with SLC13A5-related conditions. The frequency data for this variant in the population databases is considered unreliable, as metrics indicate poor data quality at this position in the ExAC database. This sequence change creates a premature translational stop signal (p.Leu492Argfs*5) in the SLC13A5 gene. It is expected to result in an absent or disrupted protein product. Loss-of-function variants in SLC13A5 are known to be pathogenic (PMID: 24995870, 26384929).

Literature cited by the submitters: PubMed 24995870; PubMed 26384929.

NM_177550.5(SLC13A5):c.1475del (p.Leu492fs)

Gene: SLC13A5 (solute carrier family 13 member 5; minus strand). Cytogenetic location: 17p13.1.
Variant type: Deletion.
Coding change: c.1475del on transcript NM_177550.5 (MANE Select); coding-DNA position 1475, one base deleted (T; older notation c.1475delT).
Protein change: p.Leu492fs; shifts the reading frame from leucine 492.
Molecular consequence: frameshift variant. On other transcripts: intron variant (1).
Genome position (GRCh38, 1-based): chr17:6,687,629, A deleted on the plus strand (T on the coding strand, the reverse complement: SLC13A5 is on the minus strand). VCF-style (leftmost placement, unchanged base first): chr17-6687628-CA-C. GRCh37 (hg19) VCF-style: chr17-6590947-CA-C.
Other names: c.1424del, p.Leu475fs (NM_001284509.2); c.1346del, p.Leu449fs (NM_001284510.2); c.1438-1291del (NM_001143838.3); short protein forms L475fs, L492fs, L449fs.
Identifiers: ClinVar variation 1402016 (VCV001402016.6), dbSNP rs766330201, ClinGen allele CA8331359.